The following is an entry in ClinVar:

ClinVar aggregate classification (germline): Uncertain significance (1 of 4 stars; one submission).

Conditions:
Megaconial type congenital muscular dystrophy (MDCMC). Also called: MUSCULAR DYSTROPHY, CONGENITAL, WITH MITOCHONDRIAL STRUCTURAL ABNORMALITIES; CHKB-Related Muscle Diseases; CHKB-Related Muscular Dystrophy. Identifiers: Orphanet 280671, MedGen C1865233, MONDO:0011246, OMIM 602541.

Allele frequency attached by ClinVar (database versions not stated): gnomAD exomes below 0.00001.
gnomAD v4.1: 2 of 1,613,936 alleles (0.00012%); highest among the groups gnomAD compares: Non-Finnish European, 0.000085%; no homozygotes.

Submission:

Labcorp Genetics (formerly Invitae), Labcorp
Classification: Uncertain significance for Megaconial type congenital muscular dystrophy. Last evaluated: 2022-10-05. Review status: criteria provided, single submitter. Criteria: Invitae Variant Classification Sherloc (09022015). Collection method: clinical testing. Allele origin: germline.
Comment: This sequence change affects codon 156 of the CHKB mRNA. It is a 'silent' change, meaning that it does not change the encoded amino acid sequence of the CHKB protein. This variant is not present in population databases (gnomAD no frequency). This variant has not been reported in the literature in individuals affected with CHKB-related conditions. ClinVar contains an entry for this variant (Variation ID: 862445). Algorithms developed to predict the effect of sequence changes on RNA splicing suggest that this variant may create or strengthen a splice site. In summary, the available evidence is currently insufficient to determine the role of this variant in disease. Therefore, it has been classified as a Variant of Uncertain Significance.

NM_005198.5(CHKB):c.468A>G (p.Gln156=)

Genes: CHKB (choline kinase beta; minus strand), CHKB-CPT1B (CHKB-CPT1B readthrough (NMD candidate); minus strand). Cytogenetic location: 22q13.33.
Variant type: single nucleotide variant.
Coding change: c.468A>G on transcript NM_005198.5 (MANE Select); coding-DNA position 468, A replaced by G.
Protein change: p.Gln156=; no amino-acid change (glutamine 156 retained).
Molecular consequence: synonymous variant. On other transcripts: non-coding transcript variant (1).
Genome position (GRCh38, 1-based): chr22:50,581,533, T>C on the plus strand (A>G on the coding strand, the complement: CHKB is on the minus strand). VCF-style: chr22-50581533-T-C. GRCh37 (hg19) VCF-style: chr22-51019962-T-C.
Identifiers: ClinVar variation 862445 (VCV000862445.7), dbSNP rs2070691030, ClinGen allele CA515274451.
Genomic context (GRCh38, chr22:50,581,533, plus strand): 5'-GCCATGAAATTGCGCCATCTTCGTGGCAATGGCTGCTGACAACACTGGCTCTCGAAGCTC[T>C]TGAGTTTTCAATGGCCGACTCTGCACCCAGGAAGCTATCAGGGTGGTGATGGGGCTGGGG-3'
Protein context (NP_005189.2, residues 146-166): QYIPSRPLKT[Gln156=]ELREPVLSAA